The following is an entry in ClinVar:

ClinVar aggregate classification (germline): Uncertain significance (1 of 4 stars; one submission).

Allele frequency attached by ClinVar (database versions not stated): gnomAD exomes 0.00001.

Submission:

GeneDx
Classification: Uncertain significance. Last evaluated: 2020-11-09. Review status: criteria provided, single submitter. Criteria: GeneDx Variant Classification Process June 2021. Collection method: clinical testing. Allele origin: germline. Affected: yes.
Comment: Has not been previously published as pathogenic or benign to our knowledge

NM_001848.3(COL6A1):c.1630G>A (p.Gly544Ser)

Gene: COL6A1 (collagen type VI alpha 1 chain; plus strand). Cytogenetic location: 21q22.3.
Variant type: single nucleotide variant.
Coding change: c.1630G>A on transcript NM_001848.3 (MANE Select); coding-DNA position 1630, G replaced by A.
Protein change: p.Gly544Ser; replaces glycine 544 with serine.
Molecular consequence: missense variant.
Genome position (GRCh38, 1-based): chr21:45,998,915, G>A. VCF-style: chr21-45998915-G-A. GRCh37 (hg19) VCF-style: chr21-47418829-G-A.
Other names: short protein forms G544S.
Identifiers: ClinVar variation 421005 (VCV000421005.4), dbSNP rs1064794846, ClinGen allele CA16621028.